The following is an entry in ClinVar:

NM_000359.3(TGM1):c.1244del (p.Ile415fs)

Gene: TGM1 (transglutaminase 1; minus strand). Cytogenetic location: 14q12.
Variant type: Deletion.
Coding change: c.1244del on transcript NM_000359.3 (MANE Select); coding-DNA position 1244, one base deleted (T; older notation c.1244delT).
Protein change: p.Ile415fs; shifts the reading frame from isoleucine 415.
Molecular consequence: frameshift variant.
Genome position (GRCh38, 1-based): chr14:24,258,589, A deleted on the plus strand (T on the coding strand, the reverse complement: TGM1 is on the minus strand). VCF-style (leftmost placement, unchanged base first): chr14-24258588-GA-G. GRCh37 (hg19) VCF-style: chr14-24727794-GA-G.
Other names: short protein forms I415fs.
Identifiers: ClinVar variation 2035786 (VCV002035786.5), dbSNP rs2502500172, ClinGen allele CA2580087972.

ClinVar aggregate classification (germline): Pathogenic/Likely pathogenic. Review status: criteria provided, multiple submitters, no conflicts (2 of 4 stars). 2 submissions from 2 submitters: Pathogenic (1); Likely pathogenic (1). Last evaluated 2024-05-02.

Conditions:
Autosomal recessive congenital ichthyosis 1 (LI1). Also called: COLLODION FETUS; DESQUAMATION OF NEWBORN; ICHTHYOSIS CONGENITA; ICHTHYOSIS CONGENITA II; LAMELLAR EXFOLIATION OF NEWBORN; ICHTHYOSIS, CONGENITAL, AUTOSOMAL RECESSIVE 1, WITH OR WITHOUT BATHING SUIT DISTRIBUTION. Identifiers: MedGen C4551630, MONDO:0009441, OMIM 242300.

Submissions (2):

Fulgent Genetics
Classification: Likely pathogenic for Autosomal recessive congenital ichthyosis 1. Last evaluated: 2024-05-02. Review status: criteria provided, single submitter. Criteria: ACMG Guidelines, 2015. Collection method: clinical testing. Allele origin: germline.

Labcorp Genetics (formerly Invitae), Labcorp
Classification: Pathogenic. Last evaluated: 2022-10-16. Review status: criteria provided, single submitter. Criteria: Invitae Variant Classification Sherloc (09022015). Collection method: clinical testing. Allele origin: germline.
Comment: For these reasons, this variant has been classified as Pathogenic. This sequence change creates a premature translational stop signal (p.Ile415Thrfs*7) in the TGM1 gene. It is expected to result in an absent or disrupted protein product. Loss-of-function variants in TGM1 are known to be pathogenic (PMID: 18948357, 19241467). This variant is not present in population databases (gnomAD no frequency). This variant has not been reported in the literature in individuals affected with TGM1-related conditions.

Literature cited by the submitters: PubMed 18948357 (cited by Labcorp Genetics (formerly Invitae), Labcorp); PubMed 19241467 (cited by Labcorp Genetics (formerly Invitae), Labcorp).